The following is an entry in ClinVar:

ClinVar aggregate classification (germline): Conflicting classifications of pathogenicity. Review status: criteria provided, conflicting classifications (1 of 4 stars). 6 submissions from 6 submitters: Uncertain significance (5); Likely benign (1). Last evaluated 2025-10-01.

Conditions:
KCNQ4-related disorder. Also called: KCNQ4-related condition.
Inborn genetic diseases. Identifiers: MedGen C0950123, MeSH D030342.
Autosomal dominant nonsyndromic hearing loss 2A. Also called: Deafness, autosomal dominant 2A; Autosomal dominant nonsyndromic deafness 2A; DFNA2 Nonsyndromic Hearing Loss. Identifiers: Orphanet 90635, MedGen C2677637, MONDO:0010817, OMIM 600101.

Allele frequency attached by ClinVar (database versions not stated): gnomAD 0.00001 and 0.00005; TOPMed 0.00004; ESP Exome Variant Server 0.00008; gnomAD exomes 0.00009 and 0.00012; ExAC 0.00016.
gnomAD v4.1: 141 of 1,608,284 alleles (0.0088%); highest among the groups gnomAD compares: South Asian, 0.068%; no homozygotes.

Submissions (6):

Ambry Genetics
Classification: Uncertain significance for Inborn genetic diseases. Last evaluated: 2025-10-01. Review status: criteria provided, single submitter. Criteria: Ambry Variant Classification Scheme 2023. Collection method: clinical testing. Allele origin: germline.

Labcorp Genetics (formerly Invitae), Labcorp
Classification: Uncertain significance. Last evaluated: 2025-07-24. Review status: criteria provided, single submitter. Criteria: Invitae Variant Classification Sherloc (09022015). Collection method: clinical testing. Allele origin: germline.
Comment: This sequence change replaces arginine, which is basic and polar, with histidine, which is basic and polar, at codon 488 of the KCNQ4 protein (p.Arg488His). This variant is present in population databases (rs371301199, gnomAD 0.07%). This variant has not been reported in the literature in individuals affected with KCNQ4-related conditions. ClinVar contains an entry for this variant (Variation ID: 1201537). Invitae Evidence Modeling of protein sequence and biophysical properties (such as structural, functional, and spatial information, amino acid conservation, physicochemical variation, residue mobility, and thermodynamic stability) has been performed for this missense variant. However, the output from this modeling did not meet the statistical confidence thresholds required to predict the impact of this variant on KCNQ4 protein function. In summary, the available evidence is currently insufficient to determine the role of this variant in disease. Therefore, it has been classified as a Variant of Uncertain Significance.

PreventionGenetics, part of Exact Sciences
Classification: Likely benign for KCNQ4-related condition. Last evaluated: 2025-07-02. Review status: criteria provided, single submitter. Criteria: ACMG Guidelines, 2015. Collection method: clinical testing. Allele origin: germline.
Comment: This variant is classified as likely benign based on ACMG/AMP sequence variant interpretation guidelines (Richards et al. 2015 PMID: 25741868, with internal and published modifications).

Women's Health and Genetics/Laboratory Corporation of America, LabCorp
Classification: Uncertain significance. Last evaluated: 2023-08-24. Review status: criteria provided, single submitter. Criteria: LabCorp Variant Classification Summary - May 2015. Collection method: clinical testing. Allele origin: germline.
Comment: Variant summary: KCNQ4 c.1463G>A (p.Arg488His) results in a non-conservative amino acid change located in the Potassium channel, voltage dependent, KCNQ, C-terminal (IPR013821) of the encoded protein sequence. Five of five in-silico tools predict a damaging effect of the variant on protein function. The variant allele was found at a frequency of 0.00012 in 236348 control chromosomes (gnomAD). To our knowledge, no occurrence of c.1463G>A in individuals affected with Autosomal Dominant Nonsyndromic Hearing Loss 2A and no experimental evidence demonstrating its impact on protein function have been reported. Three submitters have cited clinical-significance assessments for this variant to ClinVar after 2014. All submitters classified the variant as uncertain significance. Based on the evidence outlined above, the variant was classified as uncertain significance.

Genome-Nilou Lab
Classification: Uncertain significance for Autosomal dominant nonsyndromic hearing loss 2A. Last evaluated: 2023-04-11. Review status: criteria provided, single submitter. Criteria: ACMG Guidelines, 2015. Collection method: clinical testing. Allele origin: germline. Affected: no.

GeneDx
Classification: Uncertain significance. Last evaluated: 2020-09-29. Review status: criteria provided, single submitter. Criteria: GeneDx Variant Classification Process June 2021. Collection method: clinical testing. Allele origin: germline. Affected: yes.
Comment: In silico analysis, which includes protein predictors and evolutionary conservation, supports a deleterious effect; Has not been previously published as pathogenic or benign to our knowledge

NM_004700.4(KCNQ4):c.1463G>A (p.Arg488His)

Gene: KCNQ4 (potassium voltage-gated channel subfamily Q member 4; plus strand). Cytogenetic location: 1p34.2.
Variant type: single nucleotide variant.
Coding change: c.1463G>A on transcript NM_004700.4 (MANE Select); coding-DNA position 1463, G replaced by A.
Protein change: p.Arg488His; replaces arginine 488 with histidine.
Molecular consequence: missense variant.
Genome position (GRCh38, 1-based): chr1:40,831,254, G>A. VCF-style: chr1-40831254-G-A. GRCh37 (hg19) VCF-style: chr1-41296926-G-A.
Other names: c.1301G>A, p.Arg434His (NM_172163.3); short protein forms R434H, R488H.
Identifiers: ClinVar variation 1201537 (VCV001201537.14), dbSNP rs371301199, ClinGen allele CA794886.